The following is an entry in ClinVar:

ClinVar aggregate classification (germline): Uncertain significance (1 of 4 stars; one submission).

Conditions:
Neuropathy, hereditary sensory and autonomic, type 2A (HSAN2A). Also called: WNK1-Related HSAN2 (HSAN2A); ACROOSTEOLYSIS, GIACCAI TYPE; ACROOSTEOLYSIS, NEUROGENIC; NEUROPATHY, CONGENITAL SENSORY; NEUROPATHY, HEREDITARY SENSORY RADICULAR, AUTOSOMAL RECESSIVE; NEUROPATHY, HEREDITARY SENSORY, TYPE IIA. Identifiers: Orphanet 970, MedGen C2752089, MONDO:0024309, OMIM 201300.
Generalized epilepsy with febrile seizures plus, type 7 (GEFSP7). Also called: GEFS+, TYPE 7. Identifiers: Orphanet 36387, MedGen C2751778, MONDO:0013470, OMIM 613863.

Submission:

Labcorp Genetics (formerly Invitae), Labcorp
Classification: Uncertain significance for Neuropathy, hereditary sensory and autonomic, type 2A; Generalized epilepsy with febrile seizures plus, type 7. Last evaluated: 2022-07-30. Review status: criteria provided, single submitter. Criteria: Invitae Variant Classification Sherloc (09022015). Collection method: clinical testing. Allele origin: germline.
Comment: This sequence change replaces serine, which is neutral and polar, with cysteine, which is neutral and slightly polar, at codon 470 of the SCN9A protein (p.Ser470Cys). This variant is not present in population databases (gnomAD no frequency). This variant has not been reported in the literature in individuals affected with SCN9A-related conditions. Algorithms developed to predict the effect of missense changes on protein structure and function are either unavailable or do not agree on the potential impact of this missense change (SIFT: "Deleterious"; PolyPhen-2: "Probably Damaging"; Align-GVGD: "Class C15"). In summary, the available evidence is currently insufficient to determine the role of this variant in disease. Therefore, it has been classified as a Variant of Uncertain Significance.

NM_001365536.1(SCN9A):c.1409C>G (p.Ser470Cys)

Genes: SCN1A-AS1 (SCN1A and SCN9A antisense RNA 1; plus strand), SCN9A (sodium voltage-gated channel alpha subunit 9; minus strand). Cytogenetic location: 2q24.3.
Variant type: single nucleotide variant.
Coding change: c.1409C>G on transcript NM_001365536.1 (MANE Select); coding-DNA position 1409, C replaced by G.
Protein change: p.Ser470Cys; replaces serine 470 with cysteine.
Molecular consequence: missense variant.
Genome position (GRCh38, 1-based): chr2:166,286,529, G>C on the plus strand (C>G on the coding strand, the complement: SCN9A is on the minus strand). VCF-style: chr2-166286529-G-C. GRCh37 (hg19) VCF-style: chr2-167143039-G-C.
Other names: c.1409C>G, p.Ser470Cys (NM_002977.4); short protein forms S470C.
Identifiers: ClinVar variation 2071397 (VCV002071397.4), dbSNP rs2468040984, ClinGen allele CA349084811.